The following is an entry in ClinVar:

NM_000317.3(PTS):c.84-1G>A

Gene: PTS (6-pyruvoyltetrahydropterin synthase; plus strand). Cytogenetic location: 11q23.1.
Variant type: single nucleotide variant.
Coding change: c.84-1G>A on transcript NM_000317.3 (MANE Select); the canonical splice acceptor site of the intron before coding-DNA position 84, G replaced by A.
Molecular consequence: splice acceptor variant.
Genome position (GRCh38, 1-based): chr11:112,228,593, G>A. VCF-style: chr11-112228593-G-A. GRCh37 (hg19) VCF-style: chr11-112099316-G-A.
Other names: c.84-1G>A (NM_000317.2).
Identifiers: ClinVar variation 2027048 (VCV002027048.8), dbSNP rs1178886103, ClinGen allele CA382626905.

ClinVar aggregate classification (germline): Likely pathogenic. Review status: criteria provided, multiple submitters, no conflicts (2 of 4 stars). 3 submissions from 3 submitters: Likely pathogenic (3). Last evaluated 2024-10-31.

Conditions:
6-Pyruvoyl-tetrahydrobiopterin synthase deficiency. Also called: Hyperphenylalanemia, BH4-deficient, A; Hyperphenylalaninemia due to 6-pyruvoyl-tetrahydropterin synthase deficiency; PTS-Related Tetrahydrobiopterin Deficiency; BH4-deficient hyperphenylalaninemia A; PTS DEFICIENCY; 6-Pyruvoyltetrahydropterin Synthase Deficiency. Identifiers: Orphanet 13, Orphanet 238583, MedGen C0878676, MONDO:0009863, OMIM 261640.
PTS-related disorder. Also called: PTS-related condition.

Submissions (3):

Natera, Inc.
Classification: Likely pathogenic for 6-Pyruvoyl-tetrahydrobiopterin synthase deficiency. Last evaluated: 2024-10-31. Review status: criteria provided, single submitter. Criteria: Natera Variant Classification Schema (03/2026). Collection method: clinical testing. Allele origin: germline.
Comment: The c.84-1G>A variant in PTS is a canonical splice acceptor site variant predicted to affect pre-mRNA splicing, which may result in an abnormal transcript and altered protein product. This variant is expected to result in nonsense mediated decay, truncation, or a dysfunctional protein product. This variant is rare in the general population with a frequency below the threshold expected for the associated phenotype(s). Given the available evidence, this variant is classified as Likely Pathogenic.

Labcorp Genetics (formerly Invitae), Labcorp
Classification: Likely pathogenic for 6-Pyruvoyl-tetrahydrobiopterin synthase deficiency. Last evaluated: 2022-08-25. Review status: criteria provided, single submitter. Criteria: Invitae Variant Classification Sherloc (09022015). Collection method: clinical testing. Allele origin: germline.
Comment: This sequence change affects an acceptor splice site in intron 1 of the PTS gene. It is expected to disrupt RNA splicing. Variants that disrupt the donor or acceptor splice site typically lead to a loss of protein function (PMID: 16199547), and loss-of-function variants in PTS are known to be pathogenic (PMID: 3297709, 16917893). This variant is not present in population databases (gnomAD no frequency). This variant has not been reported in the literature in individuals affected with PTS-related conditions. Algorithms developed to predict the effect of sequence changes on RNA splicing suggest that this variant may disrupt the consensus splice site. In summary, the currently available evidence indicates that the variant is pathogenic, but additional data are needed to prove that conclusively. Therefore, this variant has been classified as Likely Pathogenic.

Blueprint Genetics
Classification: Likely pathogenic for PTS-related disorders. Last evaluated: 2020-10-27. Review status: criteria provided, single submitter. Criteria: ACMG Guidelines, 2015. Collection method: clinical testing. Allele origin: germline. Affected: yes. Observed: 1 variant allele.

Literature cited by the submitters: PubMed 16199547 (cited by Labcorp Genetics (formerly Invitae), Labcorp); PubMed 3297709 (cited by Labcorp Genetics (formerly Invitae), Labcorp); PubMed 16917893 (cited by Labcorp Genetics (formerly Invitae), Labcorp).